The following is an entry in ClinVar:

NM_001110556.2(FLNA):c.5134T>C (p.Tyr1712His)

Gene: FLNA (filamin A; minus strand). Cytogenetic location: Xq28.
Variant type: single nucleotide variant.
Coding change: c.5134T>C on transcript NM_001110556.2 (MANE Select); coding-DNA position 5134, T replaced by C.
Protein change: p.Tyr1712His; replaces tyrosine 1712 with histidine.
Molecular consequence: missense variant.
Genome position (GRCh38, 1-based): chrX:154,354,908, A>G on the plus strand (T>C on the coding strand, the complement: FLNA is on the minus strand). VCF-style: chrX-154354908-A-G. GRCh37 (hg19) VCF-style: chrX-153583276-A-G.
Other names: c.5110T>C (NM_001456.3); c.5110T>C, p.Tyr1704His (NM_001456.4); short protein forms Y1704H, Y1712H.
Identifiers: ClinVar variation 1009825 (VCV001009825.9), dbSNP rs782311904, ClinGen allele CA337276593.

ClinVar aggregate classification (germline): Uncertain significance. Review status: criteria provided, multiple submitters, no conflicts (2 of 4 stars). 2 submissions from 2 submitters: Uncertain significance (2). Last evaluated 2023-04-18.

Conditions:
Frontometaphyseal dysplasia (FMD1). Identifiers: Orphanet 1826, MedGen C0265293, MONDO:0015942.
Melnick-Needles syndrome (MNS). Also called: MELNICK-NEEDLES OSTEODYSPLASTY; OSTEODYSPLASTY OF MELNICK AND NEEDLES; Melnick-Needles Syndrome (FLNA-MNS). Identifiers: Orphanet 2484, MedGen C0025237, MONDO:0010650, OMIM 309350.
Oto-palato-digital syndrome, type II (OPD2). Also called: FACIOPALATOOSSEOUS SYNDROME; Otopalatodigital Syndrome, Type II; OPD II SYNDROME; Otopalatodigital Syndrome Type 2 (FLNA-OPD2). Identifiers: Orphanet 669, Orphanet 90652, MedGen C1844696, MONDO:0010571, OMIM 304120.
Heterotopia, periventricular, X-linked dominant (PVNH1). Also called: PERIVENTRICULAR NODULAR HETEROTOPIA 1; X-linked periventricular heterotopia; PERIVENTRICULAR NODULAR HETEROTOPIA 4; HETEROTOPIA, PERIVENTRICULAR, 1. Identifiers: Orphanet 2149, Orphanet 82004, MedGen C1848213, MONDO:0010233, OMIM 300049.

Allele frequency attached by ClinVar (database versions not stated): gnomAD exomes 0.00001.
gnomAD v4.1: 8 of 1,212,121 alleles (0.00066%); highest among the groups gnomAD compares: Non-Finnish European, 0.00089%; no homozygotes.

Submissions (2):

GeneDx
Classification: Uncertain significance. Last evaluated: 2023-04-18. Review status: criteria provided, single submitter. Criteria: GeneDx Variant Classification Process June 2021. Collection method: clinical testing. Allele origin: germline. Affected: yes.
Comment: Not observed at significant frequency in large population cohorts (gnomAD); In silico analysis supports that this missense variant has a deleterious effect on protein structure/function; Has not been previously published as pathogenic or benign to our knowledge

Labcorp Genetics (formerly Invitae), Labcorp
Classification: Uncertain significance for Oto-palato-digital syndrome, type II; Heterotopia, periventricular, X-linked dominant; Frontometaphyseal dysplasia; Melnick-Needles syndrome. Last evaluated: 2022-07-19. Review status: criteria provided, single submitter. Criteria: Invitae Variant Classification Sherloc (09022015). Collection method: clinical testing. Allele origin: germline.
Comment: In summary, the available evidence is currently insufficient to determine the role of this variant in disease. Therefore, it has been classified as a Variant of Uncertain Significance. Advanced modeling of protein sequence and biophysical properties (such as structural, functional, and spatial information, amino acid conservation, physicochemical variation, residue mobility, and thermodynamic stability) performed at Invitae indicates that this missense variant is expected to disrupt FLNA protein function. ClinVar contains an entry for this variant (Variation ID: 1009825). This variant has not been reported in the literature in individuals affected with FLNA-related conditions. This variant is not present in population databases (gnomAD no frequency). This sequence change replaces tyrosine, which is neutral and polar, with histidine, which is basic and polar, at codon 1704 of the FLNA protein (p.Tyr1704His).